The following is an entry in ClinVar:

ClinVar aggregate classification (germline): Likely pathogenic (1 of 4 stars; one submission).

Conditions:
Testosterone 17-beta-dehydrogenase deficiency. Also called: 17-beta hydroxysteroid dehydrogenase 3 deficiency; 46,XY disorder of sex development due to 17-beta-hydroxysteroid dehydrogenase 3 deficiency; Pseudohermaphroditism male with gynecomastia; 17 alpha ketosteroid reductase deficiency of testis; 17 alpha KSR deficiency; Neutral 17 beta hydroxysteroid oxidoreductase deficiency. Identifiers: Orphanet 752, MedGen C0268296, MONDO:0009916, OMIM 264300. Disease mechanism: loss of function.

Submission:

Clinical Biochemistry Laboratory, Health Services Laboratory
Classification: Likely pathogenic for Testosterone 17-beta-dehydrogenase deficiency. Last evaluated: 2023-11-20. Review status: criteria provided, single submitter. Criteria: ACMG Guidelines, 2015. Collection method: clinical testing. Allele origin: germline. Affected: yes.
Comment: ACMG:PM2 PM3 PP1 PP4

Literature cited by the submitters: PubMed 25740850.

NM_000197.2(HSD17B3):c.277+5G>A

Genes: HSD17B3 (hydroxysteroid 17-beta dehydrogenase 3; minus strand), SLC35D2-HSD17B3 (SLC35D2-HSD17B3 readthrough; minus strand). Cytogenetic location: 9q22.32.
Variant type: single nucleotide variant.
Coding change: c.277+5G>A on transcript NM_000197.2 (MANE Select); 5 bases into the intron after coding-DNA position 277, G replaced by A.
Molecular consequence: intron variant.
Genome position (GRCh38, 1-based): chr9:96,254,863, C>T on the plus strand (G>A on the coding strand, the complement: HSD17B3 is on the minus strand). VCF-style: chr9-96254863-C-T. GRCh37 (hg19) VCF-style: chr9-99017145-C-T.
Identifiers: ClinVar variation 2674666 (VCV002674666.1), dbSNP rs2490090743, ClinGen allele CA2695210818.
Genomic context (GRCh38, chr9:96,254,863, plus strand): 5'-CATGGTGGGAGCAGGCTTGGTTGGAGGGCTCCACACACATCTCCCTTATTTGGGGGGTCA[C>T]TCACCGATCTCTGTGGCAATGGCCTCTAGTTTTTCCAGCGTCCGGCTAATAAGGACAACA-3'